The following continues an entry in ClinVar:

NM_002769.5(PRSS1):c.47C>T (p.Ala16Val)

ClinVar aggregate classification (germline): Pathogenic/Likely pathogenic. Pathogenic (10); Likely pathogenic (2).

Submissions 10 to 15 of 15:

Sema4
Classification: Likely pathogenic for Hereditary pancreatitis. Last evaluated: 2020-09-01. Review status: criteria provided, single submitter. Criteria: Sema4 Curation Guidelines. Collection method: curation. Allele origin: germline.
Comment: The PRSS1 c.47C>T (p.A16V) missense has been reported in heterozygosity in at least 51 individuals with Pancreatitis (PMID: 11260229, 20502448, 23143602, 19951905, 15017610, 26658045, 10381903). Based on the current evidence available, this variant is interpreted as likely pathogenic.

Center for Human Genetics, Inc
Classification: Pathogenic for Hereditary pancreatitis. Last evaluated: 2016-11-01. Review status: criteria provided, single submitter. Criteria: ACMG Guidelines, 2015. Collection method: clinical testing. Allele origin: germline. Affected: yes.

Neuberg Centre For Genomic Medicine, NCGM
Classification: Pathogenic for Hereditary pancreatitis. Review status: criteria provided, single submitter. Criteria: ACMG Guidelines, 2015. Collection method: clinical testing. Allele origin: germline. Inheritance: Autosomal dominant inheritance. Affected: yes.
Comment: The above variant has been been reported in heterozygous state in multiple individuals affected with hereditary pancreatitis (Chen et al., 2009). It has also been observed to segregate with disease in related individuals. Experimental studies have shown that this missense change affects PRSS1 function (Szabó et al., 2012). The frequency data for this variant in the population databases are considered unreliable, as metrics indicate poor data quality at this position in the gnomAD database.

GeneReviews
No classification provided. Condition: Hereditary pancreatitis. Review status: no classification provided. Collection method: literature only. Allele origin: germline. Not counted in ClinVar's aggregate classification.

Centre for Mendelian Genomics, University Medical Centre Ljubljana
Classification: Uncertain significance for Recurrent pancreatitis. Last evaluated: 2017-01-01. Review status: flagged submission. Criteria: ACMG Guidelines, 2015. Collection method: clinical testing. Allele origin: unknown. Affected: yes. Not counted in ClinVar's aggregate classification.
ClinVar note: Reason: Outlier claim with insufficient supporting evidence

Department of Pathology and Laboratory Medicine, Sinai Health System
Classification: Uncertain significance for Hereditary pancreatitis. Review status: flagged submission. Collection method: clinical testing. Allele origin: unknown. Affected: yes. Study: The Canadian Open Genetics Repository (COGR). Not counted in ClinVar's aggregate classification.
Comment: The variant PRSS1:c.47C>T (p.Ala16Val) was identified in dbSNP (ID: rs202003805) and Clinvar (classified as pathogenic). The PRSS1 p.Ala16Val variant is the third most common PRSS1 mutation and is significantly associated with pancreatitis. The variant was identified in 22 individuals across 10 different families, with 15 individuals across 6 families reporting symptoms of pancreatitis. Of these, two individuals confirmed as being PRSS1 p.Ala16Val carriers had pancreatic cancer (Grocock_2009_ PMID:19951905). In another study, the variant was detected in 4 out of 44 patients. Three of these patients had no family history of chronic pancreatitis, although the mutation was inherited in all cases by one parent. Only 1 of 7 first-degree relatives with p.Ala16Val was affected, indicating a low penetrance of this mutation (Witt_2001_PMID:12120220). The variant was identified in control databases in 22 of 244,118 chromosomes (0 homozygous) at a frequency of 0.009%, and was observed at the highest frequency in the European-Non Finnish (NFE) population in 1800 of 110,396 chromosomes (freq: 0.0163%) (Genome Aggregation Database March 6, 2019, v2.1.1. The p.Ala16Val residue is conserved in mammals and computational analyses (MUT Assesor, PolyPhen-2, SIFT, MutationTaster, Revel, FATHMM, MetaLR, DANN) provide inconsistent predictions regarding the impact to the protein; this information is not very predictive of pathogenicity. The variant occurs outside of the splicing consensus sequence and in silico or computational prediction software programs (Splice AI exome) do not predict a deleterious effect on splicing. In summary, based on the above information the clinical significance of this variant cannot be determined with certainty at this time. This variant is classified as a variant of uncertain significance.
ClinVar note: Reason: Outlier claim with insufficient supporting evidence

Literature cited by the submitters: PubMed 16505482 (cited by 4 submitters); PubMed 22547072 (cited by Dasa); PubMed 19453252 (cited by Dasa and Labcorp Genetics (formerly Invitae), Labcorp); PubMed 10381903 (cited by 5 submitters); PubMed 11260229 (cited by 4 submitters); PubMed 15017610 (cited by 4 submitters); PubMed 20502448 (cited by 4 submitters); PubMed 19951905 (cited by 4 submitters); PubMed 21907651 (cited by Labcorp Genetics (formerly Invitae), Labcorp); PubMed 22749696 (cited by Labcorp Genetics (formerly Invitae), Labcorp and Women's Health and Genetics/Laboratory Corporation of America, LabCorp); PubMed 22539344 (cited by 3 submitters); PubMed 17204147 (cited by Women's Health and Genetics/Laboratory Corporation of America, LabCorp); PubMed 19191323 (cited by Women's Health and Genetics/Laboratory Corporation of America, LabCorp); PubMed 22427236 (cited by Women's Health and Genetics/Laboratory Corporation of America, LabCorp); PubMed 24458023 (cited by Women's Health and Genetics/Laboratory Corporation of America, LabCorp); PubMed 26658045 (cited by Women's Health and Genetics/Laboratory Corporation of America, LabCorp and Sema4); PubMed 25546417 (cited by Women's Health and Genetics/Laboratory Corporation of America, LabCorp); PubMed 23143602 (cited by Women's Health and Genetics/Laboratory Corporation of America, LabCorp and Sema4); PubMed 28502372 (cited by Women's Health and Genetics/Laboratory Corporation of America, LabCorp); PubMed 29173301 (cited by Women's Health and Genetics/Laboratory Corporation of America, LabCorp); PubMed 29215622 (cited by Women's Health and Genetics/Laboratory Corporation of America, LabCorp); PubMed 30850667 (cited by Women's Health and Genetics/Laboratory Corporation of America, LabCorp); PubMed 30113427 (cited by Women's Health and Genetics/Laboratory Corporation of America, LabCorp); PubMed 28536777 (cited by Women's Health and Genetics/Laboratory Corporation of America, LabCorp); PubMed 30018304 (cited by Women's Health and Genetics/Laboratory Corporation of America, LabCorp); PubMed 34065437 (cited by Women's Health and Genetics/Laboratory Corporation of America, LabCorp); PubMed 16036133 (cited by Ambry Genetics); NCBI Bookshelf NBK84399 (cited by GeneReviews); PubMed 22379635 (cited by GeneReviews).